The following is an entry in ClinVar:

NM_001844.5(COL2A1):c.1921G>A (p.Ala641Thr)

Gene: COL2A1 (collagen type II alpha 1 chain; minus strand). Cytogenetic location: 12q13.11.
Variant type: single nucleotide variant.
Coding change: c.1921G>A on transcript NM_001844.5 (MANE Select); coding-DNA position 1921, G replaced by A.
Protein change: p.Ala641Thr; replaces alanine 641 with threonine.
Molecular consequence: missense variant.
Genome position (GRCh38, 1-based): chr12:47,984,107, C>T on the plus strand (G>A on the coding strand, the complement: COL2A1 is on the minus strand). VCF-style: chr12-47984107-C-T. GRCh37 (hg19) VCF-style: chr12-48377890-C-T.
Other names: c.1714G>A, p.Ala572Thr (NM_033150.3); short protein forms A572T, A641T.
Identifiers: ClinVar variation 3607406 (VCV003607406.2).

ClinVar aggregate classification (germline): Uncertain significance (1 of 4 stars; one submission).

Submission:

Labcorp Genetics (formerly Invitae), Labcorp
Classification: Uncertain significance. Last evaluated: 2024-12-16. Review status: criteria provided, single submitter. Criteria: Invitae Variant Classification Sherloc (09022015). Collection method: clinical testing. Allele origin: germline.
Comment: This sequence change replaces alanine, which is neutral and non-polar, with threonine, which is neutral and polar, at codon 641 of the COL2A1 protein (p.Ala641Thr). This variant is not present in population databases (gnomAD no frequency). This variant has not been reported in the literature in individuals affected with COL2A1-related conditions. Invitae Evidence Modeling of protein sequence and biophysical properties (such as structural, functional, and spatial information, amino acid conservation, physicochemical variation, residue mobility, and thermodynamic stability) indicates that this missense variant is not expected to disrupt COL2A1 protein function with a negative predictive value of 95%. In summary, the available evidence is currently insufficient to determine the role of this variant in disease. Therefore, it has been classified as a Variant of Uncertain Significance.